The following is an entry in ClinVar:

NM_024989.4(PGAP1):c.586CTT[1] (p.Leu197del)

Gene: PGAP1 (post-GPI attachment to proteins inositol deacylase 1; minus strand). Cytogenetic location: 2q33.1.
Variant type: Microsatellite.
Coding change: c.586CTT[1] on transcript NM_024989.4 (MANE Select); one copy of the 3-base unit CTT starting at c.586; the reference has two copies in a row; one copy, 3 bases deleted; also written c.589_591del.
Protein change: p.Leu197del; deletes leucine 197.
Molecular consequence: inframe deletion. On other transcripts: 5 prime UTR variant (1).
Genome position (GRCh38, 1-based): chr2:196,912,940-196,912,942, AAG deleted on the plus strand (CTT on the coding strand, the reverse complement: PGAP1 is on the minus strand); deleting any 3 consecutive bases within chr2:196,912,940-196,912,946 gives the same sequence; the position shown is the placement nearest the transcript's 3' end. VCF-style (leftmost placement, unchanged base first): chr2-196912939-TAAG-T. GRCh37 (hg19) VCF-style: chr2-197777663-TAAG-T.
Other names: c.64CTT[1], p.Leu23del (NM_001321099.2); c.-526CTT[1] (NM_001321100.2); c.589_591del (NM_024989.4); short protein forms L197del, L23del.
Identifiers: ClinVar variation 132084 (VCV000132084.5), dbSNP rs587777378, ClinGen allele CA156183.

ClinVar aggregate classification (germline): Pathogenic/Likely pathogenic. Review status: criteria provided, multiple submitters, no conflicts (2 of 4 stars). 4 submissions from 4 submitters: Pathogenic (1); Likely pathogenic (2). 1 of the submissions does not count toward it. Last evaluated 2024-12-26.

Conditions:
Intellectual disability, autosomal recessive 42 (NEDDSBA). Also called: GLYCOSYLPHOSPHATIDYLINOSITOL BIOSYNTHESIS DEFECT 9; Neurodevelopmental disorder with dysmorphic features, spasticity, and brain abnormalities. Identifiers: Orphanet 88616, MedGen C4014343, MONDO:0014348, OMIM 615802.

Submissions (4):

3billion
Classification: Likely pathogenic for Intellectual disability, autosomal recessive 42. Last evaluated: 2024-12-26. Review status: criteria provided, single submitter. Criteria: ACMG Guidelines, 2015. Collection method: clinical testing. Allele origin: germline. Affected: yes.
Comment: The variant is observed at an extremely low frequency in the gnomAD v4.1.0 dataset (total allele frequency: <0.001%). Predicted Consequence/Location: Inframe deletion located in a nonrepeat region: predicted to change the length of the protein and disrupt normal protein function. The variant has been reported at least twice as pathogenic with clinical assertions and evidence for the classification (ClinVar ID: VCV000132084 /PMID: 24784135). Therefore, this variant is classified as Likely pathogenic according to the recommendation of ACMG/AMP guideline.

Institute of Human Genetics, University of Leipzig Medical Center
Classification: Likely pathogenic for Intellectual disability, autosomal recessive 42. Last evaluated: 2020-03-01. Review status: criteria provided, single submitter. Criteria: ACMG Guidelines, 2015. Collection method: clinical testing. Allele origin: biparental. Inheritance: Autosomal recessive inheritance. Affected: yes.
Comment: Review of the variants reported in Reuter et al., 2017, PMID: 28097321: PS3,PM2,PM3_Supporting

Neuberg Centre For Genomic Medicine, NCGM
Classification: Pathogenic for Intellectual disability, autosomal recessive 42. Review status: criteria provided, single submitter. Criteria: ACMG Guidelines, 2015. Collection method: clinical testing. Allele origin: germline. Inheritance: Autosomal recessive inheritance. Affected: yes.
Comment: The inframe deletion variant c.589_591del(p.Leu197del) in PGAP1 gene has been reported in affected individuals in the literature (Murakami Y et.al.,2014). This variant has been reported to the ClinVar database as Pathogenic/Likely Pathogenic. The p.Leu197del variant is novel (not in any individuals) in 1000 Genomes and allele frequency of 0.0007081% is reported in gnomAD. This p.Leu197del causes deletion of amino acid Leucine at position 197. For these reasons, this variant has been classified as Pathogenic .

OMIM
Classification: Pathogenic for NEURODEVELOPMENTAL DISORDER WITH DYSMORPHIC FEATURES, SPASTICITY, AND BRAIN ABNORMALITIES. Last evaluated: 2014-05-01. Review status: no assertion criteria provided. Collection method: literature only. Allele origin: germline. Not counted in ClinVar's aggregate classification.

Literature cited by the submitters: PubMed 24784135 (cited by 3billion and OMIM).